The following is an entry in ClinVar:

NM_201253.3(CRB1):c.405C>G (p.Ile135Met)

Gene: CRB1 (crumbs cell polarity complex component 1; plus strand). Cytogenetic location: 1q31.3.
Variant type: single nucleotide variant.
Coding change: c.405C>G on transcript NM_201253.3 (MANE Select); coding-DNA position 405, C replaced by G.
Protein change: p.Ile135Met; replaces isoleucine 135 with methionine.
Molecular consequence: missense variant. On other transcripts: non-coding transcript variant (2).
Genome position (GRCh38, 1-based): chr1:197,328,756, C>G. VCF-style: chr1-197328756-C-G. GRCh37 (hg19) VCF-style: chr1-197297886-C-G.
Other names: c.405C>G, p.Ile135Met (NM_001193640.2, NM_001257966.2); c.198C>G, p.Ile66Met (NM_001257965.2); short protein forms I135M, I66M.
Identifiers: ClinVar variation 1988331 (VCV001988331.1), dbSNP rs1173196458, ClinGen allele CA344085698.
Genomic context (GRCh38, chr1:197,328,756, plus strand): 5'-CAAGAACTCCTGCCAACATGGAGGTATTTGCCATCAGGACCCTATTTATCCTGTCTGCAT[C>G]TGCCCTGCTGGATATGCTGGAAGATTCTGTGAGATAGATCACGATGAGTGTGCTTCCAGC-3'
Protein context (NP_957705.1, residues 125-145): CHQDPIYPVC[Ile135Met]CPAGYAGRFC

ClinVar aggregate classification (germline): Uncertain significance (1 of 4 stars; one submission).

Conditions:
Retinitis pigmentosa 12 (RP12). Also called: RP WITH OR WITHOUT PRESERVED PARAARTERIOLE RETINAL PIGMENT EPITHELIUM; RETINITIS PIGMENTOSA WITH OR WITHOUT PARAARTERIOLAR PRESERVATION OF RETINAL PIGMENT EPITHELIUM; RP WITH OR WITHOUT PPRPE. Identifiers: Orphanet 791, MedGen C1838647, MONDO:0010818, OMIM 600105.
Leber congenital amaurosis 8 (LCA8). Identifiers: Orphanet 65, MedGen C3151202, MONDO:0013453, OMIM 613835.

Allele frequency attached by ClinVar (database versions not stated): gnomAD exomes below 0.00001; gnomAD 0.00001.
gnomAD v4.1: 3 of 1,611,596 alleles (0.00019%); highest among the groups gnomAD compares: African/African-American, 0.004%; no homozygotes.

Submission:

Labcorp Genetics (formerly Invitae), Labcorp
Classification: Uncertain significance for Leber congenital amaurosis 8; Retinitis pigmentosa 12. Last evaluated: 2022-11-01. Review status: criteria provided, single submitter. Criteria: Invitae Variant Classification Sherloc (09022015). Collection method: clinical testing. Allele origin: germline.
Comment: This sequence change replaces isoleucine, which is neutral and non-polar, with methionine, which is neutral and non-polar, at codon 135 of the CRB1 protein (p.Ile135Met). This variant is not present in population databases (gnomAD no frequency). This variant has not been reported in the literature in individuals affected with CRB1-related conditions. Advanced modeling of protein sequence and biophysical properties (such as structural, functional, and spatial information, amino acid conservation, physicochemical variation, residue mobility, and thermodynamic stability) performed at Invitae indicates that this missense variant is not expected to disrupt CRB1 protein function. In summary, the available evidence is currently insufficient to determine the role of this variant in disease. Therefore, it has been classified as a Variant of Uncertain Significance.